The following is an entry in ClinVar:

ClinVar aggregate classification (germline): Uncertain significance (1 of 4 stars; one submission).

Conditions:
Duchenne muscular dystrophy (DMD). Also called: MUSCULAR DYSTROPHY, PSEUDOHYPERTROPHIC PROGRESSIVE, DUCHENNE TYPE; Duchenne Muscular Dystrophy (DMD). Identifiers: Orphanet 98896, MedGen C0013264, MONDO:0010679, OMIM 310200.

Allele frequency attached by ClinVar (database versions not stated): TOPMed 0.00001.

Submission:

Labcorp Genetics (formerly Invitae), Labcorp
Classification: Uncertain significance for Duchenne muscular dystrophy. Last evaluated: 2023-10-30. Review status: criteria provided, single submitter. Criteria: Invitae Variant Classification Sherloc (09022015). Collection method: clinical testing. Allele origin: germline.
Comment: This sequence change replaces asparagine, which is neutral and polar, with lysine, which is basic and polar, at codon 1820 of the DMD protein (p.Asn1820Lys). This variant is not present in population databases (gnomAD no frequency). This variant has not been reported in the literature in individuals affected with DMD-related conditions. Advanced modeling of protein sequence and biophysical properties (such as structural, functional, and spatial information, amino acid conservation, physicochemical variation, residue mobility, and thermodynamic stability) performed at Invitae indicates that this missense variant is not expected to disrupt DMD protein function with a negative predictive value of 95%. In summary, the available evidence is currently insufficient to determine the role of this variant in disease. Therefore, it has been classified as a Variant of Uncertain Significance.

NM_004006.3(DMD):c.5460T>A (p.Asn1820Lys)

Gene: DMD (dystrophin; minus strand). Cytogenetic location: Xp21.1.
Variant type: single nucleotide variant.
Coding change: c.5460T>A on transcript NM_004006.3 (MANE Select); coding-DNA position 5460, T replaced by A.
Protein change: p.Asn1820Lys; replaces asparagine 1820 with lysine.
Molecular consequence: missense variant.
Genome position (GRCh38, 1-based): chrX:32,346,069, A>T on the plus strand (T>A on the coding strand, the complement: DMD is on the minus strand). VCF-style: chrX-32346069-A-T. GRCh37 (hg19) VCF-style: chrX-32364186-A-T.
Other names: c.5436T>A, p.Asn1812Lys (NM_000109.4); c.5448T>A, p.Asn1816Lys (NM_004009.3); c.5091T>A, p.Asn1697Lys (NM_004010.3); c.1437T>A, p.Asn479Lys (NM_004011.4); c.1428T>A, p.Asn476Lys (NM_004012.4); short protein forms N1697K, N1820K, N479K, N1816K, N1812K, N476K.
Identifiers: ClinVar variation 2772735 (VCV002772735.3), dbSNP rs950984648, ClinGen allele CA327983839.